The following is an entry in ClinVar:

ClinVar aggregate classification (germline): Uncertain significance. Review status: criteria provided, single submitter (1 of 4 stars). 2 submissions from 2 submitters: Uncertain significance (1). 1 of the submissions does not count toward it. Last evaluated 2025-10-29.

Conditions:
Hereditary factor VIII deficiency disease (HEMA). Also called: HEMOPHILIA, CLASSIC; AUTOSOMAL HEMOPHILIA A; Hemophilia A; Hemophilia A, congenital; HEM A; Factor 8 deficiency, congenital. Identifiers: Orphanet 98878, MedGen C0019069, MONDO:0010602, OMIM 306700.
F8-related disorder. Also called: F8-related condition.

gnomAD v4.1: 3 of 1,210,142 alleles (0.00025%); highest among the groups gnomAD compares: Non-Finnish European, 0.00034%; no homozygotes.

Submissions (2):

Myriad Genetics, Inc.
Classification: Uncertain significance for Hereditary factor VIII deficiency disease. Last evaluated: 2025-10-29. Review status: criteria provided, single submitter. Criteria: Myriad Autosomal Dominant, Autosomal Recessive and X-Linked Classification Criteria (2023). Collection method: clinical testing. Allele origin: unknown.
Comment: NM_000132.3(F8):c.1309C>T(R437W) is a missense variant classified as a variant of uncertain significance in the context of hemophilia A. R437W has been observed in cases with relevant disease (PMID: 9886318, 29296726, 33245802). Relevant functional assessments of this variant are not available in the literature. R437W has not been observed in referenced population frequency databases. In summary, there is insufficient evidence to classify NM_000132.3(F8):c.1309C>T(R437W) as pathogenic or benign. Please note: this variant was assessed in the context of healthy population screening.

PreventionGenetics, part of Exact Sciences
Classification: Uncertain significance for F8-related condition. Last evaluated: 2024-08-06. Review status: no assertion criteria provided. Collection method: clinical testing. Allele origin: germline. Not counted in ClinVar's aggregate classification.
Comment: The F8 c.1309C>T variant is predicted to result in the amino acid substitution p.Arg437Trp. This variant (also described as p.Arg418Trp using legacy nomenclature) has been reported in individuals with hemophilia A (Liu et al. 1998. PubMed ID: 9886318; Table S1, Johnsen et al. 2018. PubMed ID: 29296726; Supplementary table, Feng et al. 2021. PubMed ID: 33245802). This variant has not been reported in the gnomAD database, indicating this variant is rare. Other missense variants at the same amino acid residue (p.Arg437Pro, p.Arg437Gln) have also been reported in individuals with hemophilia (Cutler et al. 2002. PubMed ID: 11857744; Supplementary table, Johnsen et al. 2018. PubMed ID: 29296726). At this time, the clinical significance of this variant is uncertain in the absence of conclusive functional and genetic evidence.

Literature cited by the submitters: PubMed 29296726 (cited by Myriad Genetics, Inc.); PubMed 33245802 (cited by Myriad Genetics, Inc.); PubMed 9886318 (cited by Myriad Genetics, Inc.).

NM_000132.4(F8):c.1309C>T (p.Arg437Trp)

Gene: F8 (coagulation factor VIII; minus strand). Cytogenetic location: Xq28.
Variant type: single nucleotide variant.
Coding change: c.1309C>T on transcript NM_000132.4 (MANE Select); coding-DNA position 1309, C replaced by T.
Protein change: p.Arg437Trp; replaces arginine 437 with tryptophan.
Molecular consequence: missense variant.
Genome position (GRCh38, 1-based): chrX:154,966,104, G>A on the plus strand (C>T on the coding strand, the complement: F8 is on the minus strand). VCF-style: chrX-154966104-G-A. GRCh37 (hg19) VCF-style: chrX-154194379-G-A.
Other names: short protein forms R437W.
Identifiers: ClinVar variation 3345362 (VCV003345362.2).